The following is an entry in ClinVar:

NM_001378328.1(CELSR1):c.5226+2T>A

Gene: CELSR1 (cadherin EGF LAG seven-pass G-type receptor 1; minus strand). Cytogenetic location: 22q13.31.
Variant type: single nucleotide variant.
Coding change: c.5226+2T>A on transcript NM_001378328.1 (MANE Select); the canonical splice donor site of the intron after coding-DNA position 5226, T replaced by A.
Molecular consequence: splice donor variant.
Genome position (GRCh38, 1-based): chr22:46,408,994, A>T on the plus strand (T>A on the coding strand, the complement: CELSR1 is on the minus strand). VCF-style: chr22-46408994-A-T. GRCh37 (hg19) VCF-style: chr22-46804891-A-T.
Other names: IVSDS, T-A, +2; c.5226+2T>A (NM_014246.4).
Identifiers: ClinVar variation 598932 (VCV000598932.5), dbSNP rs1569141899, ClinGen allele CA411950626.

ClinVar aggregate classification (germline): Pathogenic. Review status: criteria provided, single submitter (1 of 4 stars). 2 submissions from 2 submitters: Pathogenic (1). 1 of the submissions does not count toward it. Last evaluated 2018-10-24.

Conditions:
Lymphatic malformation 9. Identifiers: MedGen C5543365, MONDO:0030270, OMIM 619319.
Lymphatic malformation (LM). Identifiers: MedGen C0398368, MONDO:0019313. Disease mechanism: gain of function.

Submissions (2):

MAGI'S LAB - Medical Genetics Laboratory, MAGI GROUP
Classification: Pathogenic for Hereditary lymphedema. Last evaluated: 2018-10-24. Review status: criteria provided, single submitter. Criteria: ACMG Guidelines, 2015. Collection method: clinical testing. Allele origin: paternal. Inheritance: Autosomal dominant inheritance. Affected: yes. Observed: 1 heterozygote.
Comment: The loss of function variant falls in a canonical + 2 splice site and can be considered a private variant since it is not listed in any of the public database questioned. In summary, the c.5226+2T>A variant meets the criteria of the American College of Medical Genetics and Genomics guidelines (Richards et al., 2015) to be classified as pathogenic based upon type of variation, segregation study and absence from controls.

OMIM
Classification: Pathogenic for LYMPHATIC MALFORMATION 9. Last evaluated: 2021-05-14. Review status: no assertion criteria provided. Collection method: literature only. Allele origin: germline. Not counted in ClinVar's aggregate classification.

Literature cited by the submitters: PubMed 31215153 (cited by OMIM).